The following is an entry in ClinVar:

ClinVar aggregate classification (germline): Uncertain significance. Review status: criteria provided, multiple submitters, no conflicts (2 of 4 stars). 2 submissions from 2 submitters: Uncertain significance (2). Last evaluated 2025-09-05.

Conditions:
Cranioectodermal dysplasia 1 (CED1). Also called: LEVIN SYNDROME I. Identifiers: Orphanet 1515, MedGen C0432235, MONDO:0021093, OMIM 218330.

Allele frequency attached by ClinVar (database versions not stated): ExAC 0.00003; gnomAD exomes 0.00003 and 0.00005; TOPMed 0.00004; gnomAD 0.00006; ESP Exome Variant Server 0.00008.
gnomAD v4.1: 76 of 1,604,324 alleles (0.0047%); highest among the groups gnomAD compares: Non-Finnish European, 0.0064%; no homozygotes.

Submissions (2):

Labcorp Genetics (formerly Invitae), Labcorp
Classification: Uncertain significance for Cranioectodermal dysplasia 1. Last evaluated: 2025-09-05. Review status: criteria provided, single submitter. Criteria: Invitae Variant Classification Sherloc (09022015). Collection method: clinical testing. Allele origin: germline.
Comment: This sequence change replaces arginine, which is basic and polar, with tryptophan, which is neutral and slightly polar, at codon 127 of the IFT122 protein (p.Arg127Trp). This variant is present in population databases (rs376246143, gnomAD 0.007%). This variant has not been reported in the literature in individuals affected with IFT122-related conditions. ClinVar contains an entry for this variant (Variation ID: 1438536). An algorithm developed to predict the effect of missense changes on protein structure and function (PolyPhen-2) suggests that this variant is likely to be tolerated. Algorithms developed to predict the effect of sequence changes on RNA splicing suggest that this variant may disrupt the consensus splice site. In summary, the available evidence is currently insufficient to determine the role of this variant in disease. Therefore, it has been classified as a Variant of Uncertain Significance.

Fulgent Genetics
Classification: Uncertain significance for Cranioectodermal dysplasia 1. Last evaluated: 2024-05-10. Review status: criteria provided, single submitter. Criteria: ACMG Guidelines, 2015. Collection method: clinical testing. Allele origin: germline.

NM_052989.3(IFT122):c.273-268A>T

Gene: IFT122 (intraflagellar transport 122; plus strand). Cytogenetic location: 3q21.3.
Variant type: single nucleotide variant.
Coding change: c.273-268A>T on transcript NM_052989.3 (MANE Select); 268 bases into the intron before coding-DNA position 273, A replaced by T.
Molecular consequence: intron variant. On other transcripts: missense variant (2).
Genome position (GRCh38, 1-based): chr3:129,460,960, A>T. VCF-style: chr3-129460960-A-T. GRCh37 (hg19) VCF-style: chr3-129179803-A-T.
Other names: c.379A>T, p.Arg127Trp (NM_001280541.2, NM_052985.4); c.-178-268A>T (NM_001280545.2, NM_001280546.2); c.273-268A>T (NM_018262.4); c.194-2600A>T (NM_052990.3); short protein forms R127W.
Identifiers: ClinVar variation 1438536 (VCV001438536.6), dbSNP rs376246143, ClinGen allele CA2605802.